The following is an entry in ClinVar:

NM_000868.4(HTR2C):c.1273G>A (p.Glu425Lys)

Genes: HTR2C (5-hydroxytryptamine receptor 2C; plus strand), LOC126863306 (MED14-independent group 3 enhancer GRCh37_chrX:114140926-114142125; plus strand). Cytogenetic location: Xq23.
Variant type: single nucleotide variant.
Coding change: c.1273G>A on transcript NM_000868.4 (MANE Select); coding-DNA position 1273, G replaced by A.
Protein change: p.Glu425Lys; replaces glutamic acid 425 with lysine.
Molecular consequence: missense variant. On other transcripts: 3 prime UTR variant (1).
Genome position (GRCh38, 1-based): chrX:114,907,311, G>A. VCF-style: chrX-114907311-G-A. GRCh37 (hg19) VCF-style: chrX-114141874-G-A.
Other names: c.1273G>A, p.Glu425Lys (NM_001256760.3); c.*431G>A (NM_001256761.3); short protein forms E425K.
Identifiers: ClinVar variation 4987784 (VCV004987784.1).

ClinVar aggregate classification (germline): Uncertain significance (1 of 4 stars; one submission).

Conditions:
HTR2C-related disorder. Also called: HTR2C-related condition.

Submission:

PreventionGenetics, part of Exact Sciences
Classification: Uncertain significance for HTR2C-related condition. Last evaluated: 2024-10-13. Review status: criteria provided, single submitter. Criteria: ACMG Guidelines, 2015. Collection method: clinical testing. Allele origin: germline.
Comment: The HTR2C c.1273G>A variant is predicted to result in the amino acid substitution p.Glu425Lys. To our knowledge, this variant has not been reported in the literature. This variant is reported in 0.0012% of alleles in individuals of European (Non-Finnish) descent in gnomAD. At this time, the clinical significance of this variant is uncertain due to the absence of conclusive functional and genetic evidence.